The following is an entry in ClinVar:

NM_031935.3(HMCN1):c.3947T>C (p.Ile1316Thr)

Gene: HMCN1 (hemicentin 1; plus strand). Cytogenetic location: 1q31.1.
Variant type: single nucleotide variant.
Coding change: c.3947T>C on transcript NM_031935.3 (MANE Select); coding-DNA position 3947, T replaced by C.
Protein change: p.Ile1316Thr; replaces isoleucine 1316 with threonine.
Molecular consequence: missense variant.
Genome position (GRCh38, 1-based): chr1:186,000,117, T>C. VCF-style: chr1-186000117-T-C. GRCh37 (hg19) VCF-style: chr1-185969249-T-C.
Other names: short protein forms I1316T.
Identifiers: ClinVar variation 1482660 (VCV001482660.6), dbSNP rs1558130867, ClinGen allele CA343874409.
Genomic context (GRCh38, chr1:186,000,117, plus strand): 5'-CAACCATCAAATGGTTACACAATGGTAGAGAGTTGACAGGCAGAGAGCCTGGCATTTCTA[T>C]CTTGGAAGATGGCACATTGCTGGTTATTGCTTCTGTTACACCCTATGACAATGGGGAGTA-3'
Protein context (NP_114141.2, residues 1306-1326): ELTGREPGIS[Ile1316Thr]LEDGTLLVIA

ClinVar aggregate classification (germline): Uncertain significance (1 of 4 stars; one submission).

gnomAD v4.1: 11 of 1,613,178 alleles (0.00068%); highest among the groups gnomAD compares: African/African-American, 0.0013%; no homozygotes.

Submission:

Labcorp Genetics (formerly Invitae), Labcorp
Classification: Uncertain significance. Last evaluated: 2023-08-10. Review status: criteria provided, single submitter. Criteria: Invitae Variant Classification Sherloc (09022015). Collection method: clinical testing. Allele origin: germline.
Comment: ClinVar contains an entry for this variant (Variation ID: 1482660). This variant has not been reported in the literature in individuals affected with HMCN1-related conditions. This variant is not present in population databases (gnomAD no frequency). This sequence change replaces isoleucine, which is neutral and non-polar, with threonine, which is neutral and polar, at codon 1316 of the HMCN1 protein (p.Ile1316Thr). An algorithm developed to predict the effect of missense changes on protein structure and function (PolyPhen-2) suggests that this variant is likely to be tolerated. In summary, the available evidence is currently insufficient to determine the role of this variant in disease. Therefore, it has been classified as a Variant of Uncertain Significance.